The following is an entry in ClinVar:

ClinVar aggregate classification (germline): Uncertain significance. Review status: criteria provided, multiple submitters, no conflicts (2 of 4 stars). 2 submissions from 2 submitters: Uncertain significance (2). Last evaluated 2026-01-19.

gnomAD v4.1: 3 of 1,603,280 alleles (0.00019%); highest among the groups gnomAD compares: East Asian, 0.0022%; no homozygotes.

Submissions (2):

Labcorp Genetics (formerly Invitae), Labcorp
Classification: Uncertain significance. Last evaluated: 2026-01-19. Review status: criteria provided, single submitter. Criteria: Invitae Variant Classification Sherloc (09022015). Collection method: clinical testing. Allele origin: germline.
Comment: This sequence change replaces asparagine, which is neutral and polar, with serine, which is neutral and polar, at codon 156 of the NEDD4L protein (p.Asn156Ser). The frequency data for this variant in the population databases is considered unreliable, as metrics indicate poor data quality at this position in the gnomAD database. This variant has not been reported in the literature in individuals affected with NEDD4L-related conditions. ClinVar contains an entry for this variant (Variation ID: 3777317). Invitae Evidence Modeling of protein sequence and biophysical properties (such as structural, functional, and spatial information, amino acid conservation, physicochemical variation, residue mobility, and thermodynamic stability) indicates that this missense variant is not expected to disrupt NEDD4L protein function with a negative predictive value of 80%. In summary, the available evidence is currently insufficient to determine the role of this variant in disease. Therefore, it has been classified as a Variant of Uncertain Significance.

GeneDx
Classification: Uncertain significance. Last evaluated: 2024-10-08. Review status: criteria provided, single submitter. Criteria: GeneDx Variant Classification Process June 2021. Collection method: clinical testing. Allele origin: germline. Affected: yes.
Comment: In silico analysis indicates that this missense variant does not alter protein structure/function; Has not been previously published as pathogenic or benign to our knowledge

NM_001144967.3(NEDD4L):c.467A>G (p.Asn156Ser)

Gene: NEDD4L (NEDD4 like E3 ubiquitin protein ligase; plus strand). Cytogenetic location: 18q21.31.
Variant type: single nucleotide variant.
Coding change: c.467A>G on transcript NM_001144967.3 (MANE Select); coding-DNA position 467, A replaced by G.
Protein change: p.Asn156Ser; replaces asparagine 156 with serine.
Molecular consequence: missense variant.
Genome position (GRCh38, 1-based): chr18:58,323,288, A>G. VCF-style: chr18-58323288-A-G. GRCh37 (hg19) VCF-style: chr18-55990520-A-G.
Other names: c.104A>G, p.Asn35Ser (NM_001144964.1, NM_001144965.2, NM_001144966.3 and 2 more transcripts); c.443A>G, p.Asn148Ser (NM_001144968.2, NM_001144969.2); c.467A>G, p.Asn156Ser (NM_001243960.2, NM_015277.6); short protein forms N148S, N156S, N35S.
Identifiers: ClinVar variation 3777317 (VCV003777317.2).